The following is an entry in ClinVar:

NM_000298.6(PKLR):c.154G>A (p.Gly52Ser)

Gene: PKLR (pyruvate kinase L/R; minus strand). Cytogenetic location: 1q22.
Variant type: single nucleotide variant.
Coding change: c.154G>A on transcript NM_000298.6 (MANE Select); coding-DNA position 154, G replaced by A.
Protein change: p.Gly52Ser; replaces glycine 52 with serine.
Molecular consequence: missense variant.
Genome position (GRCh38, 1-based): chr1:155,300,227, C>T on the plus strand (G>A on the coding strand, the complement: PKLR is on the minus strand). VCF-style: chr1-155300227-C-T. GRCh37 (hg19) VCF-style: chr1-155270018-C-T.
Other names: p.Gly52Ser; c.61G>A, p.Gly21Ser (NM_181871.4); short protein forms G21S, G52S.
Identifiers: ClinVar variation 4079695 (VCV004079695.2).

ClinVar aggregate classification (germline): Uncertain significance. Review status: criteria provided, multiple submitters, no conflicts (2 of 4 stars). 2 submissions from 2 submitters: Uncertain significance (2). Last evaluated 2025-10-07.

Submissions (2):

Mayo Clinic Laboratories, Mayo Clinic
Classification: Uncertain significance. Last evaluated: 2025-10-07. Review status: criteria provided, single submitter. Criteria: ACMG Guidelines, 2015. Collection method: clinical testing. Allele origin: germline. Observed: 1 variant allele.
Comment: PM2_supporting

Revvity Omics, Revvity
Classification: Uncertain significance. Last evaluated: 2023-12-04. Review status: criteria provided, single submitter. Criteria: ACMG Guidelines, 2015. Collection method: clinical testing. Allele origin: germline.